The following is an entry in ClinVar:

ClinVar aggregate classification (germline): Likely pathogenic (1 of 4 stars; one submission).

Conditions:
Hypogonadotropic hypogonadism 1 with or without anosmia (HH1). Also called: KAL1-Related GnRH Deficiency (Kallmann Syndrome 1; Kallmann Syndrome, X-Linked); HYPOGONADOTROPIC HYPOGONADISM 1 WITH ANOSMIA; Hypogonadotropic hypogonadism 1 with or without anosmia (Kallmann syndrome 1); HYPOGONADOTROPIC HYPOGONADISM AND ANOSMIA; Kallmann syndrome, type 1, X-linked; DYSPLASIA OLFACTOGENITALIS OF DE MORSIER. Identifiers: Orphanet 478, MedGen C1563719, MONDO:0010635, OMIM 308700. Disease mechanism: loss of function.

Submission:

Juno Genomics, Hangzhou Juno Genomics, Inc
Classification: Likely pathogenic for Hypogonadotropic hypogonadism 1 with or without anosmia. Review status: criteria provided, single submitter. Criteria: ACMG Guidelines, 2015. Collection method: clinical testing. Allele origin: germline.
Comment: Absent from controls (or at extremely low frequency if recessive) in Genome Aggregation Database.;Null variant in a gene where loss of function (LOF) is a known mechanism of disease.

NM_000216.4(ANOS1):c.1843-1G>C

Gene: ANOS1 (anosmin 1; minus strand). Cytogenetic location: Xp22.31.
Variant type: single nucleotide variant.
Coding change: c.1843-1G>C on transcript NM_000216.4 (MANE Select); the canonical splice acceptor site of the intron before coding-DNA position 1843, G replaced by C.
Molecular consequence: splice acceptor variant.
Genome position (GRCh38, 1-based): chrX:8,534,461, C>G on the plus strand (G>C on the coding strand, the complement: ANOS1 is on the minus strand). VCF-style: chrX-8534461-C-G. GRCh37 (hg19) VCF-style: chrX-8502502-C-G.
Identifiers: ClinVar variation 3382641 (VCV003382641.3).